The following is an entry in ClinVar:

ClinVar aggregate classification (germline): Likely benign (1 of 4 stars; one submission).

Allele frequency attached by ClinVar (database versions not stated): ExAC 0.00002; gnomAD 0.00002; gnomAD exomes 0.00002; TOPMed 0.00002.
gnomAD v4.1: 26 of 1,614,088 alleles (0.0016%); highest among the groups gnomAD compares: Admixed American, 0.018%; no homozygotes.

Submission:

CeGaT Center for Human Genetics Tuebingen
Classification: Likely benign. Last evaluated: 2023-03-01. Review status: criteria provided, single submitter. Criteria: CeGaT Center For Human Genetics Tuebingen Variant Classification Criteria Version 2. Collection method: clinical testing. Allele origin: germline. Affected: yes. Observed: 1 variant allele.
Comment: TBC1D1: BP4, BS2

NM_001396959.1(TBC1D1):c.248A>G (p.Gln83Arg)

Gene: TBC1D1 (TBC1 domain family member 1; plus strand). Cytogenetic location: 4p14.
Variant type: single nucleotide variant.
Coding change: c.248A>G on transcript NM_001396959.1 (MANE Select); coding-DNA position 248, A replaced by G.
Protein change: p.Gln83Arg; replaces glutamine 83 with arginine.
Molecular consequence: missense variant.
Genome position (GRCh38, 1-based): chr4:37,902,343, A>G. VCF-style: chr4-37902343-A-G. GRCh37 (hg19) VCF-style: chr4-37903964-A-G.
Other names: c.248A>G, p.Gln83Arg (NM_001253912.2, NM_015173.4); short protein forms Q83R.
Identifiers: ClinVar variation 2654721 (VCV002654721.24), dbSNP rs769048224, ClinGen allele CA2887226.
Genomic context (GRCh38, chr4:37,902,343, plus strand): 5'-AAGTCCGGCTTTGCGTTTCACCCTCTGGACTGAGATGTGAACCTGAGCCAGGGAGAAGTC[A>G]ACAGTGGGATCCCCTGATCTATTCCAGCATCTTTGAGTGCAAGCCTCAGCGTGTTCACAA-3'
Protein context (NP_001383888.1, residues 73-93): LRCEPEPGRS[Gln83Arg]QWDPLIYSSI